The following is an entry in ClinVar:

NM_024996.7(GFM1):c.2070+1G>T

Gene: GFM1 (G elongation factor mitochondrial 1; plus strand). Cytogenetic location: 3q25.32.
Variant type: single nucleotide variant.
Coding change: c.2070+1G>T on transcript NM_024996.7 (MANE Select); the canonical splice donor site of the intron after coding-DNA position 2070, G replaced by T.
Molecular consequence: splice donor variant.
Genome position (GRCh38, 1-based): chr3:158,690,324, G>T. VCF-style: chr3-158690324-G-T. GRCh37 (hg19) VCF-style: chr3-158408113-G-T.
Other names: c.2127+1G>T (NM_001308164.2, NM_001308164.1); c.1845+1G>T (NM_001374357.1); c.1989+1G>T (NM_001374355.1); c.1953+1G>T (NM_001374356.1); c.1503+1G>T (NM_001374359.1, NM_001374360.1); c.1386+1G>T (NM_001374361.1); c.1611+1G>T (NM_001374358.1).
Identifiers: ClinVar variation 3642524 (VCV003642524.3).
Genomic context (GRCh38, chr3:158,690,324, plus strand): 5'-CGCCATGGGGTAATCACTGGGCAAGATGGAGTTGAGGACTATTTTACACTGTATGCAGAT[G>T]TAAGTAGTCTTGGTCATTGGCAGTCCTGCTTTTATTAACCATAGAAGGAAATCCAGGTTA-3'

ClinVar aggregate classification (germline): Conflicting classifications of pathogenicity. Review status: criteria provided, conflicting classifications (1 of 4 stars). 2 submissions from 2 submitters: Likely pathogenic (1); Uncertain significance (1). Last evaluated 2026-05-16.

Conditions:
GFM1-related disorder. Also called: GFM1-related condition.

gnomAD v4.1: 1 of 1,613,396 alleles (0.000062%); highest among the groups gnomAD compares: East Asian, 0.0022%; no homozygotes.

Submissions (2):

PreventionGenetics, part of Exact Sciences
Classification: Uncertain significance for GFM1-related condition. Last evaluated: 2026-05-16. Review status: criteria provided, single submitter. Criteria: ACMG Guidelines, 2015. Collection method: clinical testing. Allele origin: germline.
Comment: The GFM1 c.2127+1G>T variant is predicted to disrupt the GT donor site and interfere with normal splicing. To our knowledge, this variant has not been documented in the literature. This variant is reported in 0.0054% of alleles in individuals of East Asian descent in gnomAD. It is expected to disrupt a canonical splice junction and altered splicing at this junction would likely result in an out of frame protein. However, this variant is located in the third to last exon, downstream of other premature truncation variants reported as causative in the literature, calling it's clinical significance into question. Although we suspect that this variant may be pathogenic, at this time, the clinical significance of this variant is uncertain due to the absence of conclusive functional and genetic evidence.

Labcorp Genetics (formerly Invitae), Labcorp
Classification: Likely pathogenic. Last evaluated: 2024-02-22. Review status: criteria provided, single submitter. Criteria: Invitae Variant Classification Sherloc (09022015). Collection method: clinical testing. Allele origin: germline.
Comment: This sequence change affects a donor splice site in intron 16 of the GFM1 gene. It is expected to disrupt RNA splicing. Variants that disrupt the donor or acceptor splice site typically lead to a loss of protein function (PMID: 16199547), and loss-of-function variants in GFM1 are known to be pathogenic (PMID: 16632485, 17160893). This variant is present in population databases (rs200697129, gnomAD 0.006%). This variant has not been reported in the literature in individuals affected with GFM1-related conditions. Algorithms developed to predict the effect of sequence changes on RNA splicing suggest that this variant may disrupt the consensus splice site. In summary, the currently available evidence indicates that the variant is pathogenic, but additional data are needed to prove that conclusively. Therefore, this variant has been classified as Likely Pathogenic.

Literature cited by the submitters: PubMed 16199547 (cited by Labcorp Genetics (formerly Invitae), Labcorp); PubMed 16632485 (cited by Labcorp Genetics (formerly Invitae), Labcorp); PubMed 17160893 (cited by Labcorp Genetics (formerly Invitae), Labcorp).